The following is an entry in ClinVar:

ClinVar aggregate classification (germline): Pathogenic (1 of 4 stars; one submission).

Conditions:
Ataxia-telangiectasia syndrome (AT). Also called: ATAXIA-TELANGIECTASIA, FRESNO VARIANT; Ataxia-telangiectasia, complementation group E; Ataxia telangiectasia (A-T); Cerebello-oculocutaneous telangiectasia; Immunodeficiency with ataxia telangiectasia; LOUIS-BAR SYNDROME. Identifiers: Orphanet 100, MedGen C0004135, MONDO:0008840, OMIM 208900.

Submission:

Labcorp Genetics (formerly Invitae), Labcorp
Classification: Pathogenic for Ataxia-telangiectasia syndrome. Last evaluated: 2018-08-02. Review status: criteria provided, single submitter. Criteria: Invitae Variant Classification Sherloc (09022015). Collection method: clinical testing. Allele origin: germline.
Comment: Loss-of-function variants in ATM are known to be pathogenic (PMID: 23807571, 25614872). This sequence change creates a premature translational stop signal (p.Ser1799Lysfs*2) in the ATM gene. It is expected to result in an absent or disrupted protein product. This variant is not present in population databases (ExAC no frequency). This variant has not been reported in the literature in individuals with ATM-related disease. For these reasons, this variant has been classified as Pathogenic.

Literature cited by the submitters: PubMed 23807571; PubMed 25614872.

NM_000051.4(ATM):c.5395dup (p.Ser1799fs)

Gene: ATM (ATM serine/threonine kinase; plus strand). Cytogenetic location: 11q22.3.
Variant type: Duplication.
Coding change: c.5395dup on transcript NM_000051.4 (MANE Select); coding-DNA position 5395, one base duplicated (A; older notation c.5395dupA).
Protein change: p.Ser1799fs; shifts the reading frame from serine 1799.
Molecular consequence: frameshift variant.
Genome position (GRCh38, 1-based): chr11:108,302,928, A duplicated; the last of 2 consecutive A bases (chr11:108,302,927-108,302,928); duplicating either gives the same sequence. VCF-style (leftmost placement, unchanged base first): chr11-108302926-T-TA. GRCh37 (hg19) VCF-style: chr11-108173653-T-TA.
Other names: c.5395dupA (NM_000051.3); c.5395dup, p.Ser1799fs (NM_001351834.2); short protein forms S1799fs.
Identifiers: ClinVar variation 650782 (VCV000650782.6), dbSNP rs1591712447, ClinGen allele CA915947629.